The following is an entry in ClinVar:

ClinVar aggregate classification (germline): Benign/Likely benign. Review status: criteria provided, multiple submitters, no conflicts (2 of 4 stars). 2 submissions from 2 submitters: Benign (1); Likely benign (1). Last evaluated 2025-07-05.

Conditions:
Hereditary cancer-predisposing syndrome. Also called: Neoplastic Syndromes, Hereditary; Tumor predisposition; Hereditary Cancer Syndrome; Hereditary neoplastic syndrome. Identifiers: Orphanet 140162, MedGen C0027672, MeSH D009386, MONDO:0015356.
Papillary renal cell carcinoma type 1 (RCCP1). Also called: Renal adenocarcinoma; Renal cell carcinoma 1; Renal cell carcinoma, somatic; RENAL CELL CARCINOMA, PAPILLARY, 1, SOMATIC. Identifiers: Orphanet 47044, MedGen C1336839, OMIM 605074, HP:0011797.

Submissions (2):

Ambry Genetics
Classification: Likely benign for Hereditary cancer-predisposing syndrome. Last evaluated: 2025-07-05. Review status: criteria provided, single submitter. Criteria: Ambry Variant Classification Scheme 2023. Collection method: clinical testing. Allele origin: germline.

Myriad Genetics, Inc.
Classification: Benign for Papillary renal cell carcinoma type 1. Last evaluated: 2024-11-14. Review status: criteria provided, single submitter. Criteria: Myriad Autosomal Dominant, Autosomal Recessive and X-Linked Classification Criteria (2023). Collection method: clinical testing. Allele origin: unknown.
Comment: This variant is considered benign. This variant is a silent/synonymous amino acid change and it is not expected to impact splicing.

NM_000245.4(MET):c.3699A>G (p.Glu1233=)

Gene: MET (MET proto-oncogene, receptor tyrosine kinase; plus strand). Cytogenetic location: 7q31.2.
Variant type: single nucleotide variant.
Coding change: c.3699A>G on transcript NM_000245.4 (MANE Select); coding-DNA position 3699, A replaced by G.
Protein change: p.Glu1233=; no amino-acid change (glutamic acid 1233 retained).
Molecular consequence: synonymous variant.
Genome position (GRCh38, 1-based): chr7:116,783,370, A>G. VCF-style: chr7-116783370-A-G. GRCh37 (hg19) VCF-style: chr7-116423424-A-G.
Other names: c.3753A>G, p.Glu1251= (NM_001127500.3); c.2409A>G, p.Glu803= (NM_001324402.2).
Identifiers: ClinVar variation 3773037 (VCV003773037.2).
Genomic context (GRCh38, chr7:116,783,370, plus strand): 5'-TGAAAAATTCACAGTCAAGGTTGCTGATTTTGGTCTTGCCAGAGACATGTATGATAAAGA[A>G]TACTATAGTGTACACAACAAAACAGGTGCAAAGCTGCCAGTGAAGTGGATGGCTTTGGAA-3'
Protein context (NP_000236.2, residues 1223-1243): FGLARDMYDK[Glu1233=]YYSVHNKTGA